The following is an entry in ClinVar:

NM_016026.4(RDH11):c.933C>A (p.Asp311Glu)

Genes: GPHN (gephyrin; plus strand), RDH11 (retinol dehydrogenase 11; minus strand). Cytogenetic location: 14q24.1.
Variant type: single nucleotide variant.
Coding change: c.933C>A on transcript NM_016026.4 (MANE Select); coding-DNA position 933, C replaced by A.
Protein change: p.Asp311Glu; replaces aspartic acid 311 with glutamic acid.
Molecular consequence: missense variant.
Genome position (GRCh38, 1-based): chr14:67,678,345, G>T on the plus strand (C>A on the coding strand, the complement: RDH11 is on the minus strand). VCF-style: chr14-67678345-G-T. GRCh37 (hg19) VCF-style: chr14-68145062-G-T.
Other names: c.723C>A, p.Asp241Glu (NM_001252650.2); short protein forms D241E, D311E.
Identifiers: ClinVar variation 1377216 (VCV001377216.6), dbSNP rs1187309718, ClinGen allele CA390128609.
Genomic context (GRCh38, chr14:67,678,345, plus strand): 5'-CTGCAGTCTTCTCTTGGGTCCAACTGGCACTGCCTGTTAGTCTATTGGGAGGCCCAGCAG[G>T]TCACAACTGACGTCCCACAGCCGCCTTGCTATAGTCTCATTACGAGCTTGGGCAGAGACC-3'
Protein context (NP_057110.3, residues 301-318): IARRLWDVSC[Asp311Glu]LLGLPID

ClinVar aggregate classification (germline): Uncertain significance (1 of 4 stars; one submission).

Allele frequency attached by ClinVar (database versions not stated): gnomAD exomes below 0.00001.
gnomAD v4.1: 1 of 1,613,808 alleles (0.000062%); highest among the groups gnomAD compares: African/African-American, 0.0013%; no homozygotes.

Submission:

Labcorp Genetics (formerly Invitae), Labcorp
Classification: Uncertain significance. Last evaluated: 2022-11-22. Review status: criteria provided, single submitter. Criteria: Invitae Variant Classification Sherloc (09022015). Collection method: clinical testing. Allele origin: germline.
Comment: In summary, the available evidence is currently insufficient to determine the role of this variant in disease. Therefore, it has been classified as a Variant of Uncertain Significance. Algorithms developed to predict the effect of missense changes on protein structure and function (SIFT, PolyPhen-2, Align-GVGD) all suggest that this variant is likely to be tolerated. ClinVar contains an entry for this variant (Variation ID: 1377216). This variant has not been reported in the literature in individuals affected with RDH11-related conditions. This variant is present in population databases (no rsID available, gnomAD 0.007%). This sequence change replaces aspartic acid, which is acidic and polar, with glutamic acid, which is acidic and polar, at codon 311 of the RDH11 protein (p.Asp311Glu).